The following is an entry in ClinVar:

ClinVar aggregate classification (germline): Uncertain significance (1 of 4 stars; one submission).

Submission:

GeneDx
Classification: Uncertain significance. Last evaluated: 2024-09-19. Review status: criteria provided, single submitter. Criteria: GeneDx Variant Classification Process June 2021. Collection method: clinical testing. Allele origin: germline. Affected: yes.
Comment: In silico analysis supports that this missense variant has a deleterious effect on protein structure/function; Has not been previously published as pathogenic or benign to our knowledge

NM_138376.3(TTC5):c.542C>T (p.Ser181Phe)

Gene: TTC5 (tetratricopeptide repeat domain 5; minus strand). Cytogenetic location: 14q11.2.
Variant type: single nucleotide variant.
Coding change: c.542C>T on transcript NM_138376.3 (MANE Select); coding-DNA position 542, C replaced by T.
Protein change: p.Ser181Phe; replaces serine 181 with phenylalanine.
Molecular consequence: missense variant.
Genome position (GRCh38, 1-based): chr14:20,299,303, G>A on the plus strand (C>T on the coding strand, the complement: TTC5 is on the minus strand). VCF-style: chr14-20299303-G-A. GRCh37 (hg19) VCF-style: chr14-20767462-G-A.
Other names: short protein forms S181F.
Identifiers: ClinVar variation 3774142 (VCV003774142.1).